The following is an entry in ClinVar:

ClinVar aggregate classification (germline): Likely pathogenic. Review status: criteria provided, multiple submitters, no conflicts (2 of 4 stars). 2 submissions from 2 submitters: Likely pathogenic (2). Last evaluated 2022-07-01.

Conditions:
Ceroid lipofuscinosis, neuronal, 6A. Also called: Neuronal ceroid lipofuscinosis, late infantile, variant; Neuronal ceroid lipofuscinosis, Gypsy/Indian early juvenile variant; Neuronal ceroid lipofuscinosis 6; CLN6-Related Neuronal Ceroid-Lipofuscinosis. Identifiers: Orphanet 168491, Orphanet 228363, MedGen C5551375, MONDO:0011144, OMIM 601780.

Submissions (2):

Diagnostics Services (NGS), CSIR - Centre For Cellular And Molecular Biology
Classification: Likely pathogenic for Ceroid lipofuscinosis, neuronal, 6A. Last evaluated: 2022-07-01. Review status: criteria provided, single submitter. Criteria: ACMG Guidelines, 2015. Collection method: clinical testing. Allele origin: unknown. Affected: yes. Observed: 1 variant allele, 1 homozygote.
Comment: The c.297G>T variant is not present in publicly available population databases like 1000 Genomes, Exome Variant Server (EVS), Exome Aggregation Consortium (ExAC), Genome Aggregation Database (gnomAD) and Indian Exome Database. The variant is not present in our in-house exome database. The variant was previously reported to Human Genome Mutation Database (HGMD ID: CM1515693), in affected individuals (PMID: 26075876). In-silico pathogenicity prediction programs like PolyPhen-2, MutationTaster2, CADD etc. predicted this variant to be likely deleterious. The variant is located near the exon-intron junction (distance from splice-site 1 bp) and expected to affect splicing, as also predicted by online Human Splicing Finder ver 3.1 (HSF3.1) program, however these predictions were not confirmed by any published functional/transcriptional studies.

Kasturba Medical College, Manipal, Kasturba Medical College, Manipal, Manipal Academy of Higher Education, Manipal, India
Classification: Likely pathogenic for Ceroid lipofuscinosis, neuronal, 6A. Review status: criteria provided, single submitter. Criteria: ACMG Guidelines, 2015. Collection method: research. Allele origin: biparental. Inheritance: Autosomal recessive inheritance. Affected: yes.
Comment: This variant is not reported in homozygous and/or heterozygous state in the population database gnomAD (v4.1.0) and our in-house database of 3717 exomes. In-silico prediction tools (REVEL, CADD_phred) are consistent in predicting the variant to be damaging to the CLN6 protein function. Additionally, SpliceAI predicts this variant to result in aberrant splicing (delta score: 0.8). Another amino acid change at the same position, c.296A>G p.(Lys99Arg) has been previously reported with late-infantile neuronal ceroid lipofuscinosis (Chin et al., 2019).

Literature cited by the submitters: PubMed 26075876 (cited by Kasturba Medical College, Manipal, Kasturba Medical College, Manipal, Manipal Academy of Higher Education, Manipal, India); PubMed 30528883 (cited by Kasturba Medical College, Manipal, Kasturba Medical College, Manipal, Manipal Academy of Higher Education, Manipal, India).

NM_017882.3(CLN6):c.297G>T (p.Lys99Asn)

Gene: CLN6 (CLN6 transmembrane ER protein; minus strand). Cytogenetic location: 15q23.
Variant type: single nucleotide variant.
Coding change: c.297G>T on transcript NM_017882.3 (MANE Select); coding-DNA position 297, G replaced by T.
Protein change: p.Lys99Asn; replaces lysine 99 with asparagine.
Molecular consequence: missense variant.
Genome position (GRCh38, 1-based): chr15:68,214,290, C>A on the plus strand (G>T on the coding strand, the complement: CLN6 is on the minus strand). VCF-style: chr15-68214290-C-A. GRCh37 (hg19) VCF-style: chr15-68506628-C-A.
Other names: c.393G>T, p.Lys131Asn (NM_001411068.1); short protein forms K131N, K99N.
Identifiers: ClinVar variation 1802206 (VCV001802206.4), dbSNP rs1275614219, ClinGen allele CA392974308.